The following is an entry in ClinVar:

ClinVar aggregate classification (germline): Uncertain significance (1 of 4 stars; one submission).

Conditions:
Familial thoracic aortic aneurysm and aortic dissection (TAAD). Also called: Thoracic aortic aneurysms and dissections. Identifiers: Orphanet 91387, MedGen C4707243, MONDO:0019625.
Hereditary cancer-predisposing syndrome. Also called: Tumor predisposition; Hereditary neoplastic syndrome; Neoplastic Syndromes, Hereditary; Hereditary Cancer Syndrome. Identifiers: Orphanet 140162, MedGen C0027672, MeSH D009386, MONDO:0015356.

Submission:

Ambry Genetics
Classification: Uncertain significance for Hereditary cancer-predisposing syndrome; Familial thoracic aortic aneurysm and aortic dissection. Last evaluated: 2019-10-09. Review status: criteria provided, single submitter. Criteria: Ambry Variant Classification Scheme 2023. Collection method: clinical testing. Allele origin: germline.
Comment: The p.P470L variant (also known as c.1409C>T), located in coding exon 10 of the SMAD4 gene, results from a C to T substitution at nucleotide position 1409. The proline at codon 470 is replaced by leucine, an amino acid with similar properties. This amino acid position is highly conserved in available vertebrate species. In addition, this alteration is predicted to be deleterious by in silico analysis. Since supporting evidence is limited at this time, the clinical significance of this alteration remains unclear.

NM_005359.6(SMAD4):c.1409C>T (p.Pro470Leu)

Gene: SMAD4 (SMAD family member 4; plus strand). Cytogenetic location: 18q21.2.
Variant type: single nucleotide variant.
Coding change: c.1409C>T on transcript NM_005359.6 (MANE Select); coding-DNA position 1409, C replaced by T.
Protein change: p.Pro470Leu; replaces proline 470 with leucine.
Molecular consequence: missense variant.
Genome position (GRCh38, 1-based): chr18:51,076,738, C>T. VCF-style: chr18-51076738-C-T. GRCh37 (hg19) VCF-style: chr18-48603108-C-T.
Other names: short protein forms P470L.
Identifiers: ClinVar variation 819140 (VCV000819140.4), dbSNP rs1599204186, ClinGen allele CA402465320.
Genomic context (GRCh38, chr18:51,076,738, plus strand): 5'-AGGCGGCTACTGCACAAGCTGCAGCAGCTGCCCAGGCAGCAGCCGTGGCAGGAAACATCC[C>T]TGGCCCAGGATCAGTAGGTGGAATAGCTCCAGCTATCAGTAAGTATGCTTTTCATTCTTT-3'
Protein context (NP_005350.1, residues 460-480): AQAAAVAGNI[Pro470Leu]GPGSVGGIAP